The following is an entry in ClinVar:

NM_006648.4(WNK2):c.6019G>A (p.Ala2007Thr)

Gene: WNK2 (WNK lysine deficient protein kinase 2; plus strand). Cytogenetic location: 9q22.31.
Variant type: single nucleotide variant.
Coding change: c.6019G>A on transcript NM_006648.4 (MANE Select); coding-DNA position 6019, G replaced by A.
Protein change: p.Ala2007Thr; replaces alanine 2007 with threonine.
Molecular consequence: missense variant.
Genome position (GRCh38, 1-based): chr9:93,299,165, G>A. VCF-style: chr9-93299165-G-A. GRCh37 (hg19) VCF-style: chr9-96061447-G-A.
Other names: c.6130G>A, p.Ala2044Thr (NM_001282394.3); short protein forms A2007T, A2044T.
Identifiers: ClinVar variation 3817248 (VCV003817248.1).
Genomic context (GRCh38, chr9:93,299,165, plus strand): 5'-AAGGACCCTGCCCAAGCCAGTGTGGGGCTCACTGCAGACAGCACGGGCCTGAGCGGGAAG[G>A]CAGTGCAGACCCAGCAGCCCTGCTCCGTCCGGGCCTCCCTGTCTTCGGACATCTGCTCCG-3'
Protein context (NP_006639.3, residues 1997-2017): TADSTGLSGK[Ala2007Thr]VQTQQPCSVR

ClinVar aggregate classification (germline): Uncertain significance (1 of 4 stars; one submission).

gnomAD v4.1: 3 of 1,611,286 alleles (0.00019%); highest among the groups gnomAD compares: Non-Finnish European, 0.000085%; no homozygotes.

Submission:

Ambry Genetics
Classification: Uncertain significance. Last evaluated: 2025-03-09. Review status: criteria provided, single submitter. Criteria: Ambry Variant Classification Scheme 2023. Collection method: clinical testing. Allele origin: germline.
Comment: The p.A2007T variant (also known as c.6019G>A), located in coding exon 24 of the WNK2 gene, results from a G to A substitution at nucleotide position 6019. The alanine at codon 2007 is replaced by threonine, an amino acid with similar properties. This amino acid position is conserved. In addition, this alteration is predicted to be tolerated by in silico analysis. Based on the available evidence, the clinical significance of this variant remains unclear.